The following is an entry in ClinVar:

NM_020693.4(DSCAML1):c.1437C>A (p.Asp479Glu)

Gene: DSCAML1 (DS cell adhesion molecule like 1; minus strand). Cytogenetic location: 11q23.3.
Variant type: single nucleotide variant.
Coding change: c.1437C>A on transcript NM_020693.4 (MANE Select); coding-DNA position 1437, C replaced by A.
Protein change: p.Asp479Glu; replaces aspartic acid 479 with glutamic acid.
Molecular consequence: missense variant.
Genome position (GRCh38, 1-based): chr11:117,518,539, G>T on the plus strand (C>A on the coding strand, the complement: DSCAML1 is on the minus strand). VCF-style: chr11-117518539-G-T. GRCh37 (hg19) VCF-style: chr11-117389254-G-T.
Other names: c.1437C>A, p.Asp479Glu (NM_001367904.1); c.1029C>A, p.Asp343Glu (NM_001367905.1); short protein forms D343E, D479E.
Identifiers: ClinVar variation 1954850 (VCV001954850.5), dbSNP rs750095278, ClinGen allele CA382745482.

ClinVar aggregate classification (germline): Uncertain significance (1 of 4 stars; one submission).

Submission:

Labcorp Genetics (formerly Invitae), Labcorp
Classification: Uncertain significance. Last evaluated: 2024-11-12. Review status: criteria provided, single submitter. Criteria: Invitae Variant Classification Sherloc (09022015). Collection method: clinical testing. Allele origin: germline.
Comment: This sequence change replaces aspartic acid, which is acidic and polar, with glutamic acid, which is acidic and polar, at codon 539 of the DSCAML1 protein (p.Asp539Glu). This variant is not present in population databases (gnomAD no frequency). This variant has not been reported in the literature in individuals affected with DSCAML1-related conditions. ClinVar contains an entry for this variant (Variation ID: 1954850). An algorithm developed to predict the effect of missense changes on protein structure and function (PolyPhen-2) suggests that this variant is likely to be disruptive. In summary, the available evidence is currently insufficient to determine the role of this variant in disease. Therefore, it has been classified as a Variant of Uncertain Significance.